The following is an entry in ClinVar:

ClinVar aggregate classification (germline): Uncertain significance (1 of 4 stars; one submission).

Conditions:
Central core myopathy (CMYO1A). Also called: Central core disease; Myopathy, central fibrillar; CONGENITAL MYOPATHY 1A, AUTOSOMAL DOMINANT, WITH SUSCEPTIBILITY TO MALIGNANT HYPERTHERMIA. Identifiers: Orphanet 597, MedGen C5830701, MONDO:0007294, OMIM 117000.

Submission:

Neuberg Centre For Genomic Medicine, NCGM
Classification: Uncertain significance for Central core myopathy. Last evaluated: 2024-02-01. Review status: criteria provided, single submitter. Criteria: ACMG Guidelines, 2015. Collection method: clinical testing. Allele origin: germline. Inheritance: Autosomal dominant inheritance.
Comment: The amino acid His at position 2441 is changed to a Arg changing protein sequence and it might alter its composition and physico-chemical properties. For these reasons, this variant has been classified as Uncertain Significance.

NM_000540.3(RYR1):c.7322A>G (p.His2441Arg)

Gene: RYR1 (ryanodine receptor 1; plus strand). Cytogenetic location: 19q13.2.
Variant type: single nucleotide variant.
Coding change: c.7322A>G on transcript NM_000540.3 (MANE Select); coding-DNA position 7322, A replaced by G.
Protein change: p.His2441Arg; replaces histidine 2441 with arginine.
Molecular consequence: missense variant.
Genome position (GRCh38, 1-based): chr19:38,500,015, A>G. VCF-style: chr19-38500015-A-G. GRCh37 (hg19) VCF-style: chr19-38990655-A-G.
Other names: c.7322A>G, p.His2441Arg (NM_001042723.2); short protein forms H2441R.
Identifiers: ClinVar variation 3898021 (VCV003898021.1).